The following is an entry in ClinVar:

ClinVar aggregate classification (germline): Likely pathogenic (1 of 4 stars; one submission).

Conditions:
L-ferritin deficiency (LFTD). Also called: L-FERRITIN DEFICIENCY, AUTOSOMAL DOMINANT. Identifiers: Orphanet 440731, MedGen C3810090, MONDO:0014274, OMIM 615604.

Submission:

First Genomix Gene Laboratory, Genetic Diagnostics Department
Classification: Likely pathogenic for L-ferritin deficiency. Last evaluated: 2025-01-13. Review status: criteria provided, single submitter. Criteria: ACMG Guidelines, 2015. Collection method: clinical testing. Allele origin: germline. Inheritance: Autosomal recessive inheritance. Affected: no. Observed: 1 variant allele.

NM_000146.4(FTL):c.335del (p.Leu112fs)

Gene: FTL (ferritin light chain; plus strand). Cytogenetic location: 19q13.33.
Variant type: Deletion.
Coding change: c.335del on transcript NM_000146.4 (MANE Select); coding-DNA position 335, one base deleted (T; older notation c.335delT).
Protein change: p.Leu112fs; shifts the reading frame from leucine 112.
Molecular consequence: frameshift variant.
Genome position (GRCh38, 1-based): chr19:48,966,366, T deleted; the last of 4 consecutive T bases (chr19:48,966,363-48,966,366); deleting any one gives the same sequence. VCF-style (leftmost placement, unchanged base first): chr19-48966362-CT-C. GRCh37 (hg19) VCF-style: chr19-49469619-CT-C.
Other names: c.335delT (NM_000146.4); short protein forms L112fs.
Identifiers: ClinVar variation 4845668 (VCV004845668.1).
Genomic context (GRCh38, chr19:48,966,362, plus strand): 5'-GGTAAAACCCCAGACGCCATGAAAGCTGCCATGGCCCTGGAGAAAAAGCTGAACCAGGCC[CT>C]TTTGGATCTTCATGCCCTGGGTTCTGCCCGCACGGACCCCCATGTACGTACCCGCTGCAT-3'